The following is an entry in ClinVar:

NM_000023.4(SGCA):c.406G>A (p.Ala136Thr)

Gene: SGCA (sarcoglycan alpha; plus strand). Cytogenetic location: 17q21.33.
Variant type: single nucleotide variant.
Coding change: c.406G>A on transcript NM_000023.4 (MANE Select); coding-DNA position 406, G replaced by A.
Protein change: p.Ala136Thr; replaces alanine 136 with threonine.
Molecular consequence: missense variant. On other transcripts: non-coding transcript variant (1).
Genome position (GRCh38, 1-based): chr17:50,168,394, G>A. VCF-style: chr17-50168394-G-A. GRCh37 (hg19) VCF-style: chr17-48245755-G-A.
Other names: c.406G>A, p.Ala136Thr (NM_001135697.3); short protein forms A136T.
Identifiers: ClinVar variation 4852423 (VCV004852423.1).

ClinVar aggregate classification (germline): Likely pathogenic (1 of 4 stars; one submission).

Conditions:
Autosomal recessive limb-girdle muscular dystrophy type 2D (LGMDR3). Also called: DUCHENNE-LIKE AUTOSOMAL RECESSIVE MUSCULAR DYSTROPHY, TYPE 2; ADHALINOPATHY, PRIMARY; MUSCULAR DYSTROPHY, LIMB-GIRDLE, AUTOSOMAL RECESSIVE 3. Identifiers: Orphanet 62, MedGen C2936332, MONDO:0011968, OMIM 608099. Disease mechanism: Affects gamma-sarcoglycan and also disrupts the integrity of the entire sarcoglycan complex..

Submission:

Department of Genetics, Sultan Qaboos University Hospital
Classification: Likely pathogenic for Autosomal recessive limb-girdle muscular dystrophy type 2D. Last evaluated: 2026-04-01. Review status: criteria provided, single submitter. Criteria: ACMG Guidelines, 2015. Collection method: clinical testing. Allele origin: germline. Affected: yes. Observed: 1 variant allele.
Comment: PM2_Supporting, PP3_Moderate, PP1_Strong, PP4_Supporting